The following is an entry in ClinVar:

ClinVar aggregate classification (germline): Uncertain significance. Review status: criteria provided, multiple submitters, no conflicts (2 of 4 stars). 3 submissions from 3 submitters: Uncertain significance (3). Last evaluated 2025-02-10.

Conditions:
Inborn genetic diseases. Identifiers: MedGen C0950123, MeSH D030342.
Acute myeloid leukemia (AML). Also called: Leukemia, acute myeloid, somatic; Leukemia, acute myelogenous, somatic; Acute myeloid leukemia, adult; AML adult; Acute non-lymphocytic leukemia; Acute granulocytic leukemia. Identifiers: Orphanet 519, MedGen C0023467, MeSH D015470, MONDO:0018874, OMIM 601626, HP:0004808. Disease mechanism: Constitutively activated FLT3.

Submissions (3):

Ambry Genetics
Classification: Uncertain significance for Inborn genetic diseases. Last evaluated: 2025-02-10. Review status: criteria provided, single submitter. Criteria: Ambry Variant Classification Scheme 2023. Collection method: clinical testing. Allele origin: germline.
Comment: The p.I294M variant (also known as c.882C>G), located in coding exon 1 of the CEBPA gene, results from a C to G substitution at nucleotide position 882. The isoleucine at codon 294 is replaced by methionine, an amino acid with highly similar properties. This variant was identified amongst 22,659 patients with hematological conditions, but germline origin was not confirmed (Hogg G et al. Cancer Genet, 2023 Nov;278-279:38-49). This amino acid position is well conserved in available vertebrate species. In addition, this alteration is predicted to be tolerated by in silico analysis. Based on the available evidence, the clinical significance of this variant remains unclear.

Baylor Genetics
Classification: Uncertain significance for Acute myeloid leukemia. Last evaluated: 2024-03-05. Review status: criteria provided, single submitter. Criteria: ACMG Guidelines, 2015. Collection method: clinical testing. Allele origin: unknown.

Labcorp Genetics (formerly Invitae), Labcorp
Classification: Uncertain significance for Acute myeloid leukemia. Last evaluated: 2023-11-22. Review status: criteria provided, single submitter. Criteria: Invitae Variant Classification Sherloc (09022015). Collection method: clinical testing. Allele origin: germline.
Comment: This sequence change replaces isoleucine, which is neutral and non-polar, with methionine, which is neutral and non-polar, at codon 294 of the CEBPA protein (p.Ile294Met). This variant is present in population databases (rs376093748, gnomAD 0.0009%). This variant has not been reported in the literature in individuals affected with CEBPA-related conditions. ClinVar contains an entry for this variant (Variation ID: 526805). Advanced modeling of protein sequence and biophysical properties (such as structural, functional, and spatial information, amino acid conservation, physicochemical variation, residue mobility, and thermodynamic stability) performed at Invitae indicates that this missense variant is expected to disrupt CEBPA protein function with a positive predictive value of 80%. In summary, the available evidence is currently insufficient to determine the role of this variant in disease. Therefore, it has been classified as a Variant of Uncertain Significance.

Literature cited by the submitters: PubMed 37586297 (cited by Ambry Genetics).

NM_004364.5(CEBPA):c.882C>G (p.Ile294Met)

Gene: CEBPA (CCAAT enhancer binding protein alpha; minus strand). Cytogenetic location: 19q13.11.
Variant type: single nucleotide variant.
Coding change: c.882C>G on transcript NM_004364.5 (MANE Select); coding-DNA position 882, C replaced by G.
Protein change: p.Ile294Met; replaces isoleucine 294 with methionine.
Molecular consequence: missense variant.
Genome position (GRCh38, 1-based): chr19:33,301,533, G>C on the plus strand (C>G on the coding strand, the complement: CEBPA is on the minus strand). VCF-style: chr19-33301533-G-C. GRCh37 (hg19) VCF-style: chr19-33792439-G-C.
Other names: c.882C>G (NM_004364.3); c.525C>G, p.Ile175Met (NM_001285829.2); c.987C>G, p.Ile329Met (NM_001287424.2); c.840C>G, p.Ile280Met (NM_001287435.2); short protein forms I294M, I175M, I280M, I329M.
Identifiers: ClinVar variation 526805 (VCV000526805.12), dbSNP rs376093748, ClinGen allele CA9363679.